The following is an entry in ClinVar:

ClinVar aggregate classification (germline): Benign/Likely benign. Review status: criteria provided, multiple submitters, no conflicts (2 of 4 stars). 4 submissions from 4 submitters: Benign (1); Likely benign (1). 2 of the submissions do not count toward it. Last evaluated 2025-01-27.

Conditions:
Hereditary sensory and autonomic neuropathy type 7. Also called: HSAN VII; Neuropathy, hereditary sensory and autonomic, type VII. Identifiers: Orphanet 391397, MedGen C3809882, MONDO:0014244, OMIM 615548.
Familial episodic pain syndrome with predominantly lower limb involvement. Also called: Episodic pain syndrome, familial, 3. Identifiers: Orphanet 391384, Orphanet 391392, MedGen C3809899, MONDO:0014247, OMIM 615552.

Allele frequency attached by ClinVar (database versions not stated): gnomAD 0.00001 and 0.00033; ESP Exome Variant Server 0.00008; TOPMed 0.00009; 1000 Genomes Project 0.00140; 1000 Genomes Project 30x 0.00141.
gnomAD v4.1: 837 of 1,604,468 alleles (0.052%); highest among the groups gnomAD compares: South Asian, 0.87%; 11 homozygotes.

Submissions (4):

Labcorp Genetics (formerly Invitae), Labcorp
Classification: Benign for Familial episodic pain syndrome with predominantly lower limb involvement; Hereditary sensory and autonomic neuropathy type 7. Last evaluated: 2025-01-27. Review status: criteria provided, single submitter. Criteria: Invitae Variant Classification Sherloc (09022015). Collection method: clinical testing. Allele origin: germline.

GeneDx
Classification: Likely benign. Last evaluated: 2021-12-26. Review status: criteria provided, single submitter. Criteria: GeneDx Variant Classification Process June 2021. Collection method: clinical testing. Allele origin: germline. Affected: yes.
Comment: See Variant Classification Assertion Criteria.

Clinical Genetics, Academic Medical Center
Classification: Likely benign. Review status: no assertion criteria provided. Collection method: clinical testing. Allele origin: germline. Affected: yes. Study: VKGL Data-share Consensus. Not counted in ClinVar's aggregate classification.

Joint Genome Diagnostic Labs from Nijmegen and Maastricht, Radboudumc and MUMC+
Classification: Likely benign. Review status: no assertion criteria provided. Collection method: clinical testing. Allele origin: germline. Affected: yes. Study: VKGL Data-share Consensus. Not counted in ClinVar's aggregate classification.

NM_001349253.2(SCN11A):c.1300-18C>G

Gene: SCN11A (sodium voltage-gated channel alpha subunit 11; minus strand). Cytogenetic location: 3p22.2.
Variant type: single nucleotide variant.
Coding change: c.1300-18C>G on transcript NM_001349253.2 (MANE Select); 18 bases into the intron before coding-DNA position 1300, C replaced by G.
Molecular consequence: intron variant.
Genome position (GRCh38, 1-based): chr3:38,908,140, G>C on the plus strand (C>G on the coding strand, the complement: SCN11A is on the minus strand). VCF-style: chr3-38908140-G-C. GRCh37 (hg19) VCF-style: chr3-38949631-G-C.
Other names: c.1300-18C>G (NM_014139.3).
Identifiers: ClinVar variation 1284424 (VCV001284424.13), dbSNP rs199549308, ClinGen allele CA2322342.